The following is an entry in ClinVar:

NM_000465.4(BARD1):c.388A>G (p.Lys130Glu)

Gene: BARD1 (BRCA1 associated RING domain 1; minus strand). Cytogenetic location: 2q35.
Variant type: single nucleotide variant.
Coding change: c.388A>G on transcript NM_000465.4 (MANE Select); coding-DNA position 388, A replaced by G.
Protein change: p.Lys130Glu; replaces lysine 130 with glutamic acid.
Molecular consequence: missense variant. On other transcripts: non-coding transcript variant (2), intron variant (3).
Genome position (GRCh38, 1-based): chr2:214,781,486, T>C on the plus strand (A>G on the coding strand, the complement: BARD1 is on the minus strand). VCF-style: chr2-214781486-T-C. GRCh37 (hg19) VCF-style: chr2-215646210-T-C.
Other names: c.331A>G, p.Lys111Glu (NM_001282543.2); c.158+27926A>G (NM_001282548.2); c.215+15575A>G (NM_001282545.2); c.364+10811A>G (NM_001282549.2); short protein forms K111E, K130E.
Identifiers: ClinVar variation 809149 (VCV000809149.30), dbSNP rs776760754, ClinGen allele CA2090430.
Genomic context (GRCh38, chr2:214,781,486, plus strand): 5'-GAGGGCTAAACCACATTTTAATTGAATTCTTCTTGTTTCCTGCATCATTAAACAAACTTT[T>C]CCTAGGTTTATCTTCTTTCAAATCTGACAGAAAAAAAGAAAAAGAAATCTGTTACATGAA-3'
Protein context (NP_000456.2, residues 120-140): LSDLKEDKPR[Lys130Glu]SLFNDAGNKK

ClinVar aggregate classification (germline): Uncertain significance. Review status: criteria provided, multiple submitters, no conflicts (2 of 4 stars). 4 submissions from 4 submitters: Uncertain significance (4). Last evaluated 2025-03-07.

Conditions:
Hereditary cancer-predisposing syndrome. Also called: Neoplastic Syndromes, Hereditary; Tumor predisposition; Hereditary neoplastic syndrome; Hereditary Cancer Syndrome. Identifiers: Orphanet 140162, MedGen C0027672, MeSH D009386, MONDO:0015356.
Familial cancer of breast. Also called: Hereditary breast cancer; hereditary breast carcinoma; BREAST CANCER, FAMILIAL. Identifiers: Orphanet 227535, MedGen C0346153, MONDO:0016419, OMIM 114480. Disease mechanism: loss of function.

Allele frequency attached by ClinVar (database versions not stated): ExAC 0.00001; gnomAD exomes 0.00001.
gnomAD v4.1: 4 of 1,611,584 alleles (0.00025%); highest among the groups gnomAD compares: Non-Finnish European, 0.00034%; no homozygotes.

Submissions (4):

Ambry Genetics
Classification: Uncertain significance for Hereditary cancer-predisposing syndrome. Last evaluated: 2025-03-07. Review status: criteria provided, single submitter. Criteria: Ambry Variant Classification Scheme 2023. Collection method: clinical testing. Allele origin: germline.
Comment: The p.K130E variant (also known as c.388A>G), located in coding exon 4 of the BARD1 gene, results from an A to G substitution at nucleotide position 388. The lysine at codon 130 is replaced by glutamic acid, an amino acid with similar properties. This amino acid position is poorly conserved in available vertebrate species. In addition, this alteration is predicted to be tolerated by in silico analysis. Since supporting evidence is limited at this time, the clinical significance of this alteration remains unclear.

Center for Genomic Medicine, Rigshospitalet, Copenhagen University Hospital
Classification: Uncertain significance. Last evaluated: 2025-03-04. Review status: criteria provided, single submitter. Criteria: ACMG Guidelines, 2015. Collection method: clinical testing. Allele origin: germline.

Color Diagnostics, LLC DBA Color Health
Classification: Uncertain significance for Hereditary cancer-predisposing syndrome. Last evaluated: 2024-12-10. Review status: criteria provided, single submitter. Criteria: ACMG Guidelines, 2015. Collection method: clinical testing. Allele origin: germline.
Comment: This missense variant replaces lysine with glutamic acid at codon 130 of the BARD1 protein. Computational prediction suggests that this variant may not impact protein structure and function (internally defined REVEL score threshold <= 0.5, PMID: 27666373). To our knowledge, functional studies have not been reported for this variant. This variant has not been reported in individuals affected with BARD1-related disorders in the literature. This variant has been identified in 2/247644 chromosomes in the general population by the Genome Aggregation Database (gnomAD). The available evidence is insufficient to determine the role of this variant in disease conclusively. Therefore, this variant is classified as a Variant of Uncertain Significance.

Labcorp Genetics (formerly Invitae), Labcorp
Classification: Uncertain significance for Familial cancer of breast. Last evaluated: 2020-10-20. Review status: criteria provided, single submitter. Criteria: Invitae Variant Classification Sherloc (09022015). Collection method: clinical testing. Allele origin: germline.
Comment: This variant is present in population databases (rs776760754, ExAC 0.002%). In summary, the available evidence is currently insufficient to determine the role of this variant in disease. Therefore, it has been classified as a Variant of Uncertain Significance. Algorithms developed to predict the effect of missense changes on protein structure and function output the following: SIFT: "Tolerated"; PolyPhen-2: "Benign"; Align-GVGD: "Class C0". The glutamic acid amino acid residue is found in multiple mammalian species, suggesting that this missense change does not adversely affect protein function. These predictions have not been confirmed by published functional studies and their clinical significance is uncertain. This variant has not been reported in the literature in individuals with BARD1-related conditions. This sequence change replaces lysine with glutamic acid at codon 130 of the BARD1 protein (p.Lys130Glu). The lysine residue is weakly conserved and there is a small physicochemical difference between lysine and glutamic acid.